The following is an entry in ClinVar:

ClinVar aggregate classification (germline): Uncertain significance. Review status: criteria provided, multiple submitters, no conflicts (2 of 4 stars). 2 submissions from 2 submitters: Uncertain significance (2). Last evaluated 2025-10-06.

Conditions:
Frontotemporal dementia (FTD1). Also called: Frontotemporal lobe dementia (FLDEM); Dementia, frontotemporal, with or without parkinsonism; WILHELMSEN-LYNCH DISEASE; FRONTOTEMPORAL DEMENTIA WITH PARKINSONISM; FRONTOTEMPORAL LOBE DEMENTIA; MULTIPLE SYSTEM TAUOPATHY WITH PRESENILE DEMENTIA. Identifiers: Orphanet 282, MedGen C0338451, MONDO:0017276, OMIM 600274, HP:0002145.
Inborn genetic diseases. Identifiers: MedGen C0950123, MeSH D030342.

Allele frequency attached by ClinVar (database versions not stated): TOPMed 0.00001; ExAC 0.00003; gnomAD exomes 0.00004.
gnomAD v4.1: 28 of 1,612,618 alleles (0.0017%); highest among the groups gnomAD compares: Non-Finnish European, 0.00025%; no homozygotes.

Submissions (2):

Labcorp Genetics (formerly Invitae), Labcorp
Classification: Uncertain significance for Frontotemporal dementia. Last evaluated: 2025-10-06. Review status: criteria provided, single submitter. Criteria: Invitae Variant Classification Sherloc (09022015). Collection method: clinical testing. Allele origin: germline.
Comment: This sequence change replaces glycine, which is neutral and non-polar, with valine, which is neutral and non-polar, at codon 21 of the MAPT protein (p.Gly21Val). This variant is present in population databases (rs781076528, gnomAD 0.06%). This variant has not been reported in the literature in individuals affected with MAPT-related conditions. ClinVar contains an entry for this variant (Variation ID: 663933). An algorithm developed to predict the effect of missense changes on protein structure and function (PolyPhen-2) suggests that this variant is likely to be disruptive. In summary, the available evidence is currently insufficient to determine the role of this variant in disease. Therefore, it has been classified as a Variant of Uncertain Significance.

Ambry Genetics
Classification: Uncertain significance for Inborn genetic diseases. Last evaluated: 2023-09-29. Review status: criteria provided, single submitter. Criteria: Ambry Variant Classification Scheme 2023. Collection method: clinical testing. Allele origin: germline.

NM_001377265.1(MAPT):c.62G>T (p.Gly21Val)

Gene: MAPT (microtubule associated protein tau). Cytogenetic location: 17q21.31.
Variant type: single nucleotide variant.
Coding change: c.62G>T on transcript NM_001377265.1 (MANE Select); coding-DNA position 62, G replaced by T.
Protein change: p.Gly21Val; replaces glycine 21 with valine.
Molecular consequence: missense variant. On other transcripts: non-coding transcript variant (1).
Genome position (GRCh38, 1-based): chr17:45,962,399, G>T. VCF-style: chr17-45962399-G-T. GRCh37 (hg19) VCF-style: chr17-44039765-G-T.
Other names: c.62G>T, p.Gly21Val (NM_001123066.4, NM_001123067.4, NM_001203251.2 and 8 more transcripts); short protein forms G21V.
Identifiers: ClinVar variation 663933 (VCV000663933.12), dbSNP rs781076528, ClinGen allele CA8617508.
Genomic context (GRCh38, chr17:45,962,399, plus strand): 5'-TGGCTGAGCCCCGCCAGGAGTTCGAAGTGATGGAAGATCACGCTGGGACGTACGGGTTGG[G>T]GGACAGGAAAGATCAGGGGGGCTACACCATGCACCAAGACCAAGAGGGTGACACGGACGC-3'
Protein context (NP_001364194.1, residues 11-31): MEDHAGTYGL[Gly21Val]DRKDQGGYTM